The following is an entry in ClinVar:

NM_005359.6(SMAD4):c.1341G>T (p.Met447Ile)

Gene: SMAD4 (SMAD family member 4; plus strand). Cytogenetic location: 18q21.2.
Variant type: single nucleotide variant.
Coding change: c.1341G>T on transcript NM_005359.6 (MANE Select); coding-DNA position 1341, G replaced by T.
Protein change: p.Met447Ile; replaces methionine 447 with isoleucine.
Molecular consequence: missense variant. On other transcripts: non-coding transcript variant (1).
Genome position (GRCh38, 1-based): chr18:51,076,670, G>T. VCF-style: chr18-51076670-G-T. GRCh37 (hg19) VCF-style: chr18-48603040-G-T.
Other names: c.1341G>T, p.Met447Ile (NM_001407041.1, NM_001407042.1); short protein forms M447I.
Identifiers: ClinVar variation 5029731 (VCV005029731.1).

ClinVar aggregate classification (germline): Uncertain significance (1 of 4 stars; one submission).

Conditions:
Familial thoracic aortic aneurysm and aortic dissection (TAAD). Also called: Thoracic aortic aneurysms and dissections. Identifiers: Orphanet 91387, MedGen C4707243, MONDO:0019625.
Hereditary cancer-predisposing syndrome. Also called: Neoplastic Syndromes, Hereditary; Tumor predisposition; Hereditary neoplastic syndrome; Hereditary Cancer Syndrome. Identifiers: Orphanet 140162, MedGen C0027672, MeSH D009386, MONDO:0015356.

Submission:

Ambry Genetics
Classification: Uncertain significance for Hereditary cancer-predisposing syndrome; Familial thoracic aortic aneurysm and aortic dissection. Last evaluated: 2026-07-04. Review status: criteria provided, single submitter. Criteria: Ambry Variant Classification Scheme 2023. Collection method: clinical testing. Allele origin: germline.
Comment: The p.M447I variant (also known as c.1341G>T), located in coding exon 10 of the SMAD4 gene, results from a G to T substitution at nucleotide position 1341. The methionine at codon 447 is replaced by isoleucine, an amino acid with highly similar properties. This amino acid position is conserved. In addition, this alteration is predicted to be deleterious by in silico analysis. Based on the available evidence, the clinical significance of this variant remains unclear.